The following is an entry in ClinVar:

ClinVar aggregate classification (germline): Likely benign (1 of 4 stars; one submission).

Allele frequency attached by ClinVar (database versions not stated): TOPMed 0.00002; gnomAD exomes below 0.00001; gnomAD 0.00002.
gnomAD v4.1: 6 of 1,613,692 alleles (0.00037%); highest among the groups gnomAD compares: African/African-American, 0.0027%; no homozygotes.

Submission:

CeGaT Center for Human Genetics Tuebingen
Classification: Likely benign. Last evaluated: 2023-02-01. Review status: criteria provided, single submitter. Criteria: CeGaT Center For Human Genetics Tuebingen Variant Classification Criteria Version 2. Collection method: clinical testing. Allele origin: germline. Affected: yes. Observed: 1 variant allele.
Comment: GEMIN4: BP4, BP7

NM_015721.3(GEMIN4):c.642C>T (p.Pro214=)

Gene: GEMIN4 (gem nuclear organelle associated protein 4; minus strand). Cytogenetic location: 17p13.3.
Variant type: single nucleotide variant.
Coding change: c.642C>T on transcript NM_015721.3 (MANE Select); coding-DNA position 642, C replaced by T.
Protein change: p.Pro214=; no amino-acid change (proline 214 retained).
Molecular consequence: synonymous variant.
Genome position (GRCh38, 1-based): chr17:747,401, G>A on the plus strand (C>T on the coding strand, the complement: GEMIN4 is on the minus strand). VCF-style: chr17-747401-G-A. GRCh37 (hg19) VCF-style: chr17-650641-G-A.
Identifiers: ClinVar variation 2647175 (VCV002647175.24), dbSNP rs887785768, ClinGen allele CA286713722.
Genomic context (GRCh38, chr17:747,401, plus strand): 5'-CCCCGGGCCCAGGATCCGACTCTGGATCTGTGTCAGCCCGCGGAGCAGCATGGCCAACAG[G>A]GGCATGGTGGGGCACGCGTCTGGGTCTGACCTAAGCCTCTTTGGAGGATGGGGGAACTCA-3'
Protein context (NP_056536.2, residues 204-224): RSDPDACPTM[Pro214=]LLAMLLRGLT